The following is an entry in ClinVar:

NM_005562.3(LAMC2):c.405-2A>G

Gene: LAMC2 (laminin subunit gamma 2; plus strand). Cytogenetic location: 1q25.3.
Variant type: single nucleotide variant.
Coding change: c.405-2A>G on transcript NM_005562.3 (MANE Select); the canonical splice acceptor site of the intron before coding-DNA position 405, A replaced by G.
Molecular consequence: splice acceptor variant.
Genome position (GRCh38, 1-based): chr1:183,218,388, A>G. VCF-style: chr1-183218388-A-G. GRCh37 (hg19) VCF-style: chr1-183187523-A-G.
Other names: c.405-2A>G (NM_018891.3).
Identifiers: ClinVar variation 863300 (VCV000863300.8), dbSNP rs1375079650, ClinGen allele CA343674948.

ClinVar aggregate classification (germline): Pathogenic (1 of 4 stars; one submission).

Allele frequency attached by ClinVar (database versions not stated): gnomAD 0.00001; TOPMed 0.00001.
gnomAD v4.1: 1 of 1,611,574 alleles (0.000062%); highest among the groups gnomAD compares: East Asian, 0.0022%; no homozygotes.

Submission:

Labcorp Genetics (formerly Invitae), Labcorp
Classification: Pathogenic. Last evaluated: 2022-10-28. Review status: criteria provided, single submitter. Criteria: Invitae Variant Classification Sherloc (09022015). Collection method: clinical testing. Allele origin: germline.
Comment: For these reasons, this variant has been classified as Pathogenic. Studies have shown that disruption of this splice site is associated with altered splicing resulting in multiple RNA products (PMID: 11564184). ClinVar contains an entry for this variant (Variation ID: 863300). Disruption of this splice site has been observed in individual(s) with junctional epidermolysis bullosa (PMID: 11564184). In at least one individual the variant was observed to be de novo. This variant is not present in population databases (gnomAD no frequency). This sequence change affects an acceptor splice site in intron 3 of the LAMC2 gene. It is expected to disrupt RNA splicing. Variants that disrupt the donor or acceptor splice site typically lead to a loss of protein function (PMID: 16199547), and loss-of-function variants in LAMC2 are known to be pathogenic (PMID: 11907499, 16473856).

Literature cited by the submitters: PubMed 11564184; PubMed 16199547; PubMed 11907499; PubMed 16473856.